The following is an entry in ClinVar:

NM_000282.4(PCCA):c.1071G>T (p.Glu357Asp)

Gene: PCCA (propionyl-CoA carboxylase subunit alpha; plus strand). Cytogenetic location: 13q32.3.
Variant type: single nucleotide variant.
Coding change: c.1071G>T on transcript NM_000282.4 (MANE Select); coding-DNA position 1071, G replaced by T.
Protein change: p.Glu357Asp; replaces glutamic acid 357 with aspartic acid.
Molecular consequence: missense variant. On other transcripts: non-coding transcript variant (5), intron variant (3).
Genome position (GRCh38, 1-based): chr13:100,301,465, G>T. VCF-style: chr13-100301465-G-T. GRCh37 (hg19) VCF-style: chr13-100953719-G-T.
Other names: c.993G>T, p.Glu331Asp (NM_001127692.3, NM_001352607.2); c.1071G>T, p.Glu357Asp (NM_001178004.2, NM_001352605.2, NM_001352609.2); c.126G>T, p.Glu42Asp (NM_001352610.2, NM_001352611.2); c.1066-1459G>T (NM_001352606.2); c.121-1459G>T (NM_001352612.2); c.988-1459G>T (NM_001352608.2); short protein forms E357D, E331D, E42D.
Identifiers: ClinVar variation 235532 (VCV000235532.7), dbSNP rs761295534, ClinGen allele CA10581345.

ClinVar aggregate classification (germline): Conflicting classifications of pathogenicity. Review status: criteria provided, conflicting classifications (1 of 4 stars). 4 submissions from 4 submitters: Likely pathogenic (1); Uncertain significance (2). 1 of the submissions does not count toward it. Last evaluated 2026-01-02.

Conditions:
Propionic acidemia (PROP). Also called: GLYCINEMIA, KETOTIC; HYPERGLYCINEMIA WITH KETOACIDOSIS AND LEUKOPENIA; KETOTIC HYPERGLYCINEMIA. Identifiers: Orphanet 35, MedGen C0268579, MONDO:0011628, OMIM 606054, HP:0003571.

Allele frequency attached by ClinVar (database versions not stated): TOPMed 0.00002.
gnomAD v4.1: 2 of 1,614,052 alleles (0.00012%); highest among the groups gnomAD compares: Admixed American, 0.0033%; no homozygotes.

Submissions (4):

Myriad Genetics, Inc.
Classification: Uncertain significance for Propionic acidemia. Last evaluated: 2026-01-02. Review status: criteria provided, single submitter. Criteria: Myriad Autosomal Dominant, Autosomal Recessive and X-Linked Classification Criteria (2023). Collection method: clinical testing. Allele origin: unknown.
Comment: NM_000282.3(PCCA):c.1071G>T(E357D) is a missense variant classified as a variant of uncertain significance in the context of PCCA-related propionic acidemia. E357D has been observed in a case with relevant disease (PMID: 38722054). Relevant functional assessments of this variant are not available in the literature. E357D has been observed in referenced population frequency databases. In summary, there is insufficient evidence to classify NM_000282.3(PCCA):c.1071G>T(E357D) as pathogenic or benign. Please note: this variant was assessed in the context of healthy population screening.

Labcorp Genetics (formerly Invitae), Labcorp
Classification: Uncertain significance for Propionic acidemia. Last evaluated: 2022-03-09. Review status: criteria provided, single submitter. Criteria: Invitae Variant Classification Sherloc (09022015). Collection method: clinical testing. Allele origin: germline.
Comment: This sequence change replaces glutamic acid, which is acidic and polar, with aspartic acid, which is acidic and polar, at codon 357 of the PCCA protein (p.Glu357Asp). This variant is present in population databases (no rsID available, gnomAD 0.003%). This variant has not been reported in the literature in individuals affected with PCCA-related conditions. ClinVar contains an entry for this variant (Variation ID: 235532). Advanced modeling of protein sequence and biophysical properties (such as structural, functional, and spatial information, amino acid conservation, physicochemical variation, residue mobility, and thermodynamic stability) performed at Invitae indicates that this missense variant is expected to disrupt PCCA protein function. In summary, the available evidence is currently insufficient to determine the role of this variant in disease. Therefore, it has been classified as a Variant of Uncertain Significance.

Center for Pediatric Genomic Medicine, Children's Mercy Hospital and Clinics
Classification: Likely pathogenic. Last evaluated: 2015-07-07. Review status: criteria provided, single submitter. Criteria: ACMG Guidelines, 2015. Collection method: clinical testing. Allele origin: germline.

Counsyl
Classification: Uncertain significance for Propionic acidemia. Last evaluated: 2017-08-16. Review status: no assertion criteria provided. Collection method: clinical testing. Allele origin: unknown. Not counted in ClinVar's aggregate classification.

Literature cited by the submitters: PubMed 38722054 (cited by Myriad Genetics, Inc.).